The following is an entry in ClinVar:

ClinVar aggregate classification (germline): Conflicting classifications of pathogenicity. Review status: criteria provided, conflicting classifications (1 of 4 stars). 3 submissions from 3 submitters: Uncertain significance (2); Likely benign (1). Last evaluated 2024-12-15.

Conditions:
Hereditary cancer-predisposing syndrome. Also called: Hereditary neoplastic syndrome; Hereditary Cancer Syndrome; Tumor predisposition; Neoplastic Syndromes, Hereditary. Identifiers: Orphanet 140162, MedGen C0027672, MeSH D009386, MONDO:0015356.
Cardiovascular phenotype. Identifiers: MedGen CN230736.

Allele frequency attached by ClinVar (database versions not stated): gnomAD exomes below 0.00001 and 0.00001; ExAC 0.00001.
gnomAD v4.1: 4 of 1,613,378 alleles (0.00025%); highest among the groups gnomAD compares: South Asian, 0.0022%; no homozygotes.

Submissions (3):

Labcorp Genetics (formerly Invitae), Labcorp
Classification: Uncertain significance. Last evaluated: 2024-12-15. Review status: criteria provided, single submitter. Criteria: Invitae Variant Classification Sherloc (09022015). Collection method: clinical testing. Allele origin: germline.
Comment: This sequence change replaces methionine, which is neutral and non-polar, with isoleucine, which is neutral and non-polar, at codon 614 of the LZTR1 protein (p.Met614Ile). This variant is present in population databases (rs763044573, gnomAD 0.006%). This variant has not been reported in the literature in individuals affected with LZTR1-related conditions. ClinVar contains an entry for this variant (Variation ID: 1518464). Invitae Evidence Modeling of protein sequence and biophysical properties (such as structural, functional, and spatial information, amino acid conservation, physicochemical variation, residue mobility, and thermodynamic stability) indicates that this missense variant is not expected to disrupt LZTR1 protein function with a negative predictive value of 80%. In summary, the available evidence is currently insufficient to determine the role of this variant in disease. Therefore, it has been classified as a Variant of Uncertain Significance.

Ambry Genetics
Classification: Likely benign for Cardiovascular phenotype; Hereditary cancer-predisposing syndrome. Last evaluated: 2024-03-12. Review status: criteria provided, single submitter. Criteria: Ambry Variant Classification Scheme 2023. Collection method: clinical testing. Allele origin: germline.

Women's Health and Genetics/Laboratory Corporation of America, LabCorp
Classification: Uncertain significance. Last evaluated: 2023-05-22. Review status: criteria provided, single submitter. Criteria: LabCorp Variant Classification Summary - May 2015. Collection method: clinical testing. Allele origin: germline.
Comment: Variant summary: LZTR1 c.1842G>A (p.Met614Ile) results in a conservative amino acid change in the encoded protein sequence. Three of five in-silico tools predict a benign effect of the variant on protein function. The variant allele was found at a frequency of 8e-06 in 251200 control chromosomes (gnomAD). The available data on variant occurrences in the general population are insufficient to allow any conclusion about variant significance. To our knowledge, no occurrence of c.1842G>A in individuals affected with Noonan Syndrome and no experimental evidence demonstrating its impact on protein function have been reported. Two clinical diagnostic laboratories have submitted clinical-significance assessments for this variant to ClinVar after 2014, and classified the variant as uncertain significance. Based on the evidence outlined above, the variant was classified as uncertain significance.

NM_006767.4(LZTR1):c.1842G>A (p.Met614Ile)

Gene: LZTR1 (leucine zipper like post translational regulator 1; plus strand). Cytogenetic location: 22q11.21.
Variant type: single nucleotide variant.
Coding change: c.1842G>A on transcript NM_006767.4 (MANE Select); coding-DNA position 1842, G replaced by A.
Protein change: p.Met614Ile; replaces methionine 614 with isoleucine.
Molecular consequence: missense variant.
Genome position (GRCh38, 1-based): chr22:20,994,926, G>A. VCF-style: chr22-20994926-G-A. GRCh37 (hg19) VCF-style: chr22-21349215-G-A.
Other names: short protein forms M614I.
Identifiers: ClinVar variation 1518464 (VCV001518464.10), dbSNP rs763044573, ClinGen allele CA10119084.